The following is an entry in ClinVar:

ClinVar aggregate classification (germline): Uncertain significance (1 of 4 stars; one submission).

Conditions:
Familial cancer of breast. Also called: hereditary breast carcinoma; Hereditary breast cancer; BREAST CANCER, FAMILIAL. Identifiers: Orphanet 227535, MedGen C0346153, MONDO:0016419, OMIM 114480. Disease mechanism: loss of function.
Fanconi anemia complementation group J. Also called: BRIP1-Related Fanconi Anemia. Identifiers: Orphanet 84, MedGen C1836860, MONDO:0012187, OMIM 609054.

Submission:

Labcorp Genetics (formerly Invitae), Labcorp
Classification: Uncertain significance for Familial cancer of breast; Fanconi anemia complementation group J. Last evaluated: 2022-07-11. Review status: criteria provided, single submitter. Criteria: Invitae Variant Classification Sherloc (09022015). Collection method: clinical testing. Allele origin: germline.
Comment: This variant is not present in population databases (gnomAD no frequency). This sequence change replaces serine, which is neutral and polar, with glycine, which is neutral and non-polar, at codon 50 of the BRIP1 protein (p.Ser50Gly). This variant has not been reported in the literature in individuals affected with BRIP1-related conditions. In summary, the available evidence is currently insufficient to determine the role of this variant in disease. Therefore, it has been classified as a Variant of Uncertain Significance. Algorithms developed to predict the effect of missense changes on protein structure and function are either unavailable or do not agree on the potential impact of this missense change (SIFT: "Deleterious"; PolyPhen-2: "Probably Damaging"; Align-GVGD: "Class C0"). ClinVar contains an entry for this variant (Variation ID: 998806).

NM_032043.3(BRIP1):c.148A>G (p.Ser50Gly)

Gene: BRIP1 (BRCA1 interacting DNA helicase 1; minus strand). Cytogenetic location: 17q23.2.
Variant type: single nucleotide variant.
Coding change: c.148A>G on transcript NM_032043.3 (MANE Select); coding-DNA position 148, A replaced by G.
Protein change: p.Ser50Gly; replaces serine 50 with glycine.
Molecular consequence: missense variant.
Genome position (GRCh38, 1-based): chr17:61,859,853, T>C on the plus strand (A>G on the coding strand, the complement: BRIP1 is on the minus strand). VCF-style: chr17-61859853-T-C. GRCh37 (hg19) VCF-style: chr17-59937214-T-C.
Other names: short protein forms S50G.
Identifiers: ClinVar variation 998806 (VCV000998806.9), dbSNP rs2078950409, ClinGen allele CA400485768.
Genomic context (GRCh38, chr17:61,859,853, plus strand): 5'-TACCACTAAGAGATTGTTGCCATGCTAAAGCAGAACAAAGTAAGGCTAAGCTTTTTCCAC[T>C]TCCTGTGGGACTCTCCAACAAACAATGTTGCTTGCTGTTTAATCCTCTGAGAATCTATGA-3'
Protein context (NP_114432.2, residues 40-60): QHCLLESPTG[Ser50Gly]GKSLALLCSA